The following is an entry in ClinVar:

ClinVar aggregate classification (germline): Conflicting classifications of pathogenicity. Review status: criteria provided, conflicting classifications (1 of 4 stars). 6 submissions from 6 submitters: Likely pathogenic (1); Uncertain significance (2). 3 of the submissions do not count toward it. Last evaluated 2024-02-03.

Conditions:
Methylmalonic aciduria, cblB type (MACB). Also called: Methylmalonic acidemia cblB type; METHYLMALONIC ACIDURIA, VITAMIN B12-RESPONSIVE, DUE TO DEFECT IN SYNTHESIS OF ADENOSYLCOBALAMIN, cblB TYPE; Vitamin B12-responsive methylmalonic acidemia type cblB. Identifiers: Orphanet 28, Orphanet 79311, MedGen C1855102, MONDO:0009614, OMIM 251110.

Allele frequency attached by ClinVar (database versions not stated): ExAC 0.00003; gnomAD 0.00004 and 0.00005; gnomAD exomes 0.00001 and 0.00002; TOPMed 0.00003.
gnomAD v4.1: 16 of 1,611,266 alleles (0.00099%); highest among the groups gnomAD compares: African/African-American, 0.02%; no homozygotes.

Submissions (6):

Labcorp Genetics (formerly Invitae), Labcorp
Classification: Likely pathogenic for Methylmalonic aciduria, cblB type. Last evaluated: 2024-02-03. Review status: criteria provided, single submitter. Criteria: Invitae Variant Classification Sherloc (09022015). Collection method: clinical testing. Allele origin: germline.
Comment: This sequence change replaces tyrosine, which is neutral and polar, with cysteine, which is neutral and slightly polar, at codon 219 of the MMAB protein (p.Tyr219Cys). This variant is present in population databases (rs765547005, gnomAD 0.03%). This missense change has been observed in individual(s) with clinical features of cobalamin B deficiency (PMID: 16410054; Invitae). In at least one individual the data is consistent with being in trans (on the opposite chromosome) from a pathogenic variant. ClinVar contains an entry for this variant (Variation ID: 219007). Advanced modeling of protein sequence and biophysical properties (such as structural, functional, and spatial information, amino acid conservation, physicochemical variation, residue mobility, and thermodynamic stability) performed at Invitae indicates that this missense variant is not expected to disrupt MMAB protein function with a negative predictive value of 80%. In summary, the currently available evidence indicates that the variant is pathogenic, but additional data are needed to prove that conclusively. Therefore, this variant has been classified as Likely Pathogenic.

Women's Health and Genetics/Laboratory Corporation of America, LabCorp
Classification: Uncertain significance. Last evaluated: 2022-12-24. Review status: criteria provided, single submitter. Criteria: LabCorp Variant Classification Summary - May 2015. Collection method: clinical testing. Allele origin: germline.
Comment: Variant summary: MMAB c.656A>G (p.Tyr219Cys) results in a non-conservative amino acid change located in the Cobalamin adenosyltransferase-like domain (IPR016030) of the encoded protein sequence. Four of five in-silico tools predict a damaging effect of the variant on protein function. The variant allele was found at a frequency of 2.4e-05 in 251446 control chromosomes (gnomAD). c.656A>G has been reported in the literature as a complex genotype in individuals affected with Methylmalonic Aciduria, cblB type: these individuals carried a second pathogenic variant and a benign/VUS variant (Lerner-Ellis_2006). These data indicate that the variant may be associated with disease. To our knowledge, no experimental evidence demonstrating an impact on protein function has been reported. Three ClinVar submitters have assessed the variant since 2014: all three classified the variant as uncertain significance. Based on the evidence outlined above, the variant was classified as VUS-possibly pathogenic.

GeneDx
Classification: Uncertain significance. Last evaluated: 2017-07-20. Review status: criteria provided, single submitter. Criteria: GeneDx Variant Classification (06012015). Collection method: clinical testing. Allele origin: germline. Affected: yes.
Comment: The Y219C variant has previously been reported in association with methylmalonic acidemia (MMA), cblB type in two individuals who were also heterozygous for two other variants in the MMAB gene; the phase of these variants was not determined (Lerner-Ellis et al., 2006). The Y219C variant is a non-conservative amino acid substitution, which is likely to impact secondary protein structure as these residues differ in polarity, charge, size and/or other properties. This substitution occurs at a position that is conserved in mammals. In silico analysis predicts this variant is probably damaging to the protein structure/function. Therefore, based on the currently available information, it is unclear whether this variant is a pathogenic variant or a rare benign variant.

Natera, Inc.
Classification: Uncertain significance for Methylmalonic aciduria cblB type. Last evaluated: 2020-09-16. Review status: no assertion criteria provided. Collection method: clinical testing. Allele origin: germline. Not counted in ClinVar's aggregate classification.

Counsyl
Classification: Uncertain significance for Methylmalonic aciduria, cblB type. Last evaluated: 2018-01-04. Review status: no assertion criteria provided. Collection method: clinical testing. Allele origin: unknown. Not counted in ClinVar's aggregate classification.

GeneReviews
No classification provided. Condition: Methylmalonic aciduria, cblB type. Review status: no classification provided. Collection method: literature only. Allele origin: germline. Affected: yes. Not counted in ClinVar's aggregate classification.

Literature cited by the submitters: PubMed 16410054 (cited by 3 submitters); NCBI Bookshelf NBK1231 (cited by GeneReviews).

NM_052845.4(MMAB):c.656A>G (p.Tyr219Cys)

Gene: MMAB (metabolism of cobalamin associated B; minus strand). Cytogenetic location: 12q24.11.
Variant type: single nucleotide variant.
Coding change: c.656A>G on transcript NM_052845.4 (MANE Select); coding-DNA position 656, A replaced by G.
Protein change: p.Tyr219Cys; replaces tyrosine 219 with cysteine.
Molecular consequence: missense variant. On other transcripts: non-coding transcript variant (1).
Genome position (GRCh38, 1-based): chr12:109,557,125, T>C on the plus strand (A>G on the coding strand, the complement: MMAB is on the minus strand). VCF-style: chr12-109557125-T-C. GRCh37 (hg19) VCF-style: chr12-109994930-T-C.
Other names: short protein forms Y219C.
Identifiers: ClinVar variation 219007 (VCV000219007.10), dbSNP rs765547005, ClinGen allele CA347903.